The following is an entry in ClinVar:

ClinVar aggregate classification (germline): Likely benign. Review status: criteria provided, multiple submitters, no conflicts (2 of 4 stars). 2 submissions from 2 submitters: Likely benign (2). Last evaluated 2024-11-21.

Submissions (2):

Blueprint Genetics
Classification: Likely benign. Last evaluated: 2024-11-21. Review status: criteria provided, single submitter. Criteria: ACMG Guidelines, 2015. Collection method: clinical testing. Allele origin: germline.

CeGaT Center for Human Genetics Tuebingen
Classification: Likely benign. Last evaluated: 2024-11-01. Review status: criteria provided, single submitter. Criteria: CeGaT Center For Human Genetics Tuebingen Variant Classification Criteria Version 2. Collection method: clinical testing. Allele origin: germline. Affected: yes. Observed: 2 variant alleles.
Comment: PI4KA: BP4, BP7

NM_058004.4(PI4KA):c.4026C>T (p.His1342=)

Gene: PI4KA (phosphatidylinositol 4-kinase alpha; minus strand). Cytogenetic location: 22q11.21.
Variant type: single nucleotide variant.
Coding change: c.4026C>T on transcript NM_058004.4 (MANE Select); coding-DNA position 4026, C replaced by T.
Protein change: p.His1342=; no amino-acid change (histidine 1342 retained).
Molecular consequence: synonymous variant.
Genome position (GRCh38, 1-based): chr22:20,734,069, G>A on the plus strand (C>T on the coding strand, the complement: PI4KA is on the minus strand). VCF-style: chr22-20734069-G-A. GRCh37 (hg19) VCF-style: chr22-21088357-G-A.
Other names: c.3933C>T, p.His1311= (NM_001362862.2); c.3960C>T, p.His1320= (NM_001362863.2).
Identifiers: ClinVar variation 3341663 (VCV003341663.17).